The following is an entry in ClinVar:

ClinVar aggregate classification (germline): Uncertain significance. Review status: criteria provided, multiple submitters, no conflicts (2 of 4 stars). 2 submissions from 2 submitters: Uncertain significance (2). Last evaluated 2024-11-27.

Conditions:
Inborn genetic diseases. Identifiers: MedGen C0950123, MeSH D030342.

Allele frequency attached by ClinVar (database versions not stated): gnomAD 0.00001; gnomAD exomes 0.00001 and 0.00002; TOPMed 0.00001; ExAC 0.00002.
gnomAD v4.1: 21 of 1,613,238 alleles (0.0013%); highest among the groups gnomAD compares: Non-Finnish European, 0.0017%; no homozygotes.

Submissions (2):

Ambry Genetics
Classification: Uncertain significance for Inborn genetic diseases. Last evaluated: 2024-11-27. Review status: criteria provided, single submitter. Criteria: Ambry Variant Classification Scheme 2023. Collection method: clinical testing. Allele origin: germline.

Labcorp Genetics (formerly Invitae), Labcorp
Classification: Uncertain significance. Last evaluated: 2024-06-17. Review status: criteria provided, single submitter. Criteria: Invitae Variant Classification Sherloc (09022015). Collection method: clinical testing. Allele origin: germline.
Comment: This sequence change replaces isoleucine, which is neutral and non-polar, with valine, which is neutral and non-polar, at codon 184 of the GNAT2 protein (p.Ile184Val). This variant is present in population databases (rs201798524, gnomAD 0.004%). This variant has not been reported in the literature in individuals affected with GNAT2-related conditions. ClinVar contains an entry for this variant (Variation ID: 837652). Advanced modeling of protein sequence and biophysical properties (such as structural, functional, and spatial information, amino acid conservation, physicochemical variation, residue mobility, and thermodynamic stability) performed at Invitae indicates that this missense variant is not expected to disrupt GNAT2 protein function with a negative predictive value of 80%. In summary, the available evidence is currently insufficient to determine the role of this variant in disease. Therefore, it has been classified as a Variant of Uncertain Significance.

NM_001377295.2(GNAT2):c.550A>G (p.Ile184Val)

Gene: GNAT2 (G protein subunit alpha transducin 2; minus strand). Cytogenetic location: 1p13.3.
Variant type: single nucleotide variant.
Coding change: c.550A>G on transcript NM_001377295.2 (MANE Select); coding-DNA position 550, A replaced by G.
Protein change: p.Ile184Val; replaces isoleucine 184 with valine.
Molecular consequence: missense variant.
Genome position (GRCh38, 1-based): chr1:109,606,348, T>C on the plus strand (A>G on the coding strand, the complement: GNAT2 is on the minus strand). VCF-style: chr1-109606348-T-C. GRCh37 (hg19) VCF-style: chr1-110148970-T-C.
Other names: c.550A>G, p.Ile184Val (NM_001379232.1, NM_005272.5); short protein forms I184V.
Identifiers: ClinVar variation 837652 (VCV000837652.6), dbSNP rs201798524, ClinGen allele CA992394.
Genomic context (GRCh38, chr1:109,606,348, plus strand): 5'-CTAGGGAACCATGCACTTACCTGAAATTCAAGTCTTTGACGGAAAACTTGGTTTCAATGA[T>C]GCCCGTGGTTTTGACTCTGGATCGGAGCACATCTTGCTCACTAGGGAGGTACTCAGGGTC-3'
Protein context (NP_001364224.1, residues 174-194): VLRSRVKTTG[Ile184Val]IETKFSVKDL